The following is an entry in ClinVar:

ClinVar aggregate classification (germline): Conflicting classifications of pathogenicity. Review status: criteria provided, conflicting classifications (1 of 4 stars). 2 submissions from 2 submitters: Uncertain significance (1); Likely benign (1). Last evaluated 2025-12-09.

Conditions:
Inborn genetic diseases. Identifiers: MedGen C0950123, MeSH D030342.

Allele frequency attached by ClinVar (database versions not stated): gnomAD 0.00001; gnomAD exomes 0.00001; 1000 Genomes Project 30x 0.00016; 1000 Genomes Project 0.00020; TOPMed 0.00001; ExAC 0.00004.
gnomAD v4.1: 10 of 1,605,028 alleles (0.00062%); highest among the groups gnomAD compares: East Asian, 0.0067%; no homozygotes.

Submissions (2):

Labcorp Genetics (formerly Invitae), Labcorp
Classification: Uncertain significance. Last evaluated: 2025-12-09. Review status: criteria provided, single submitter. Criteria: Invitae Variant Classification Sherloc (09022015). Collection method: clinical testing. Allele origin: germline.
Comment: This sequence change replaces arginine, which is basic and polar, with glutamine, which is neutral and polar, at codon 278 of the MYO18B protein (p.Arg278Gln). The frequency data for this variant in the population databases is considered unreliable, as metrics indicate poor data quality at this position in the gnomAD database. This variant has not been reported in the literature in individuals affected with MYO18B-related conditions. ClinVar contains an entry for this variant (Variation ID: 2334309). An algorithm developed to predict the effect of missense changes on protein structure and function outputs the following: PolyPhen-2: "Benign". The glutamine amino acid residue is found in multiple mammalian species, which suggests that this missense change does not adversely affect protein function. In summary, the available evidence is currently insufficient to determine the role of this variant in disease. Therefore, it has been classified as a Variant of Uncertain Significance.

Ambry Genetics
Classification: Likely benign for Inborn genetic diseases. Last evaluated: 2022-12-13. Review status: criteria provided, single submitter. Criteria: Ambry Variant Classification Scheme 2023. Collection method: clinical testing. Allele origin: germline.

NM_032608.7(MYO18B):c.833G>A (p.Arg278Gln)

Gene: MYO18B (myosin XVIIIB; plus strand). Cytogenetic location: 22q12.1.
Variant type: single nucleotide variant.
Coding change: c.833G>A on transcript NM_032608.7 (MANE Select); coding-DNA position 833, G replaced by A.
Protein change: p.Arg278Gln; replaces arginine 278 with glutamine.
Molecular consequence: missense variant.
Genome position (GRCh38, 1-based): chr22:25,768,749, G>A. VCF-style: chr22-25768749-G-A. GRCh37 (hg19) VCF-style: chr22-26164716-G-A.
Other names: c.833G>A, p.Arg278Gln (NM_001318245.2); short protein forms R278Q.
Identifiers: ClinVar variation 2334309 (VCV002334309.4), dbSNP rs575556076, ClinGen allele CA10159703.